The following is an entry in ClinVar:

ClinVar aggregate classification (germline): Uncertain significance (1 of 4 stars; one submission).

Conditions:
Hereditary cancer-predisposing syndrome. Also called: Neoplastic Syndromes, Hereditary; Hereditary Cancer Syndrome; Tumor predisposition; Hereditary neoplastic syndrome. Identifiers: Orphanet 140162, MedGen C0027672, MeSH D009386, MONDO:0015356.

Submission:

Ambry Genetics
Classification: Uncertain significance for Hereditary cancer-predisposing syndrome. Last evaluated: 2022-11-20. Review status: criteria provided, single submitter. Criteria: Ambry Variant Classification Scheme 2023. Collection method: clinical testing. Allele origin: germline.
Comment: The p.I365T variant (also known as c.1094T>C), located in coding exon 10 of the PRKAR1A gene, results from a T to C substitution at nucleotide position 1094. The isoleucine at codon 365 is replaced by threonine, an amino acid with similar properties. This amino acid position is conserved. In addition, this alteration is predicted to be deleterious by in silico analysis. Since supporting evidence is limited at this time, the clinical significance of this alteration remains unclear.

NM_002734.5(PRKAR1A):c.1094T>C (p.Ile365Thr)

Gene: PRKAR1A (protein kinase cAMP-dependent type I regulatory subunit alpha; plus strand). Cytogenetic location: 17q24.2.
Variant type: single nucleotide variant.
Coding change: c.1094T>C on transcript NM_002734.5 (MANE Select); coding-DNA position 1094, T replaced by C.
Protein change: p.Ile365Thr; replaces isoleucine 365 with threonine.
Molecular consequence: missense variant. On other transcripts: intron variant (1).
Genome position (GRCh38, 1-based): chr17:68,530,397, T>C. VCF-style: chr17-68530397-T-C. GRCh37 (hg19) VCF-style: chr17-66526538-T-C.
Other names: c.1094T>C, p.Ile365Thr (NM_001276289.2, NM_001278433.2, NM_001369389.1 and 3 more transcripts); c.973+396T>C (NM_001276290.1); short protein forms I365T.
Identifiers: ClinVar variation 2447611 (VCV002447611.2), dbSNP rs2509447196, ClinGen allele CA400754834.